The following is an entry in ClinVar:

ClinVar aggregate classification (germline): Likely benign. Review status: criteria provided, multiple submitters, no conflicts (2 of 4 stars). 2 submissions from 2 submitters: Likely benign (2). Last evaluated 2018-01-12.

Conditions:
Succinate-semialdehyde dehydrogenase deficiency (SSADHD). Also called: Succinic Semialdehyde Dehydrogenase Deficiency; 4-HYDROXYBUTYRIC ACIDURIA; GABA METABOLIC DEFECT; SSADH DEFICIENCY. Identifiers: Orphanet 22, MedGen C0268631, MONDO:0010083, OMIM 271980.

Allele frequency attached by ClinVar (database versions not stated): 1000 Genomes Project 30x 0.00562; 1000 Genomes Project 0.00639; TOPMed 0.00799; gnomAD 0.00955 and 0.00977; gnomAD exomes 0.01075.

Submissions (2):

Illumina Laboratory Services, Illumina
Classification: Likely benign for Succinate-semialdehyde dehydrogenase deficiency. Last evaluated: 2018-01-12. Review status: criteria provided, single submitter. Criteria: ICSL Variant Classification Criteria 13 December 2019. Collection method: clinical testing. Allele origin: germline.
Comment: This variant was observed in the ICSL laboratory as part of a predisposition screen in an ostensibly healthy population. It had not been previously curated by ICSL or reported in the Human Gene Mutation Database (HGMD: prior to June 1st, 2018), and was therefore a candidate for classification through an automated scoring system. Utilizing variant allele frequency, disease prevalence and penetrance estimates, and inheritance mode, an automated score was calculated to assess if this variant is too frequent to cause the disease. Based on the score and internal cut-off values, a variant classified as likely benign is not then subjected to further curation. The score for this variant resulted in a classification of likely benign for this disease.

Breakthrough Genomics
Classification: Likely benign. Review status: criteria provided, single submitter. Criteria: ACMG Guidelines, 2015. Collection method: not provided. Allele origin: germline. Inheritance: Autosomal recessive inheritance. Affected: yes.

NM_001080.3(ALDH5A1):c.*784C>T

Gene: ALDH5A1 (aldehyde dehydrogenase 5 family member A1; plus strand). Cytogenetic location: 6p22.3.
Variant type: single nucleotide variant.
Coding change: c.*784C>T on transcript NM_001080.3 (MANE Select); 784 bases downstream of the stop codon, C replaced by T.
Molecular consequence: 3 prime UTR variant.
Genome position (GRCh38, 1-based): chr6:24,534,496, C>T. VCF-style: chr6-24534496-C-T. GRCh37 (hg19) VCF-style: chr6-24534724-C-T.
Other names: c.*784C>T (NM_001368954.1, NM_170740.1).
Identifiers: ClinVar variation 906568 (VCV000906568.5), dbSNP rs115442722, ClinGen allele CA136114557.
Genomic context (GRCh38, chr6:24,534,496, plus strand): 5'-AGCAAAGAATAGCAGAAGCAGCTTGGTAGGATGGAAGGCACGCAGTGGCATGGCCTGGCT[C>T]CTTCCCTGAGTGGCCTTGTTGCCTTGGGCGTGTGTTCAGCACCTCCCATCCCATGGATAC-3'